The following is an entry in ClinVar:

ClinVar aggregate classification (germline): Uncertain significance (1 of 4 stars; one submission).

Conditions:
Intellectual developmental disorder with autistic features and language delay, with or without seizures. Identifiers: MedGen C5394447, MONDO:0030051, OMIM 618906.

Submission:

New York Genome Center
Classification: Uncertain significance for Intellectual developmental disorder with autistic features and language delay, with or without seizures. Last evaluated: 2021-09-17. Review status: criteria provided, single submitter. Criteria: NYGC Assertion Criteria 2020. Collection method: clinical testing. Allele origin: inherited. Observed: 1 heterozygote. Study: CSER-NYCKidSeq.
Comment: The inherited c.4995_4997del (p.Gly1666del) variant identified in the TANC2 gene is an in frame deletion of a single conserved Glycine at amino acid 1666/1991 in the last exon (26/26). This variant is found with low frequency in gnomAD(v2.1.1)(1 heterozygote, 0 homozygotes; allele frequency:4.01e-6) suggesting it is not a common benign variant in the populations represented in that database. This variant is absent from ClinVar and to our current knowledge has not been reported in affected individuals in the literature. The p.Gly1666 residue is not within a mapped domain of TANC2 (UniProtKB:Q9HCD6). Given the lack of compelling evidence for its pathogenicity, the inherited c.4995_4997del (p.Gly1666del) variant identified in the TANC2 gene is reported as a Variant of Uncertain Significance

NM_001394998.1(TANC2):c.5247_5249del (p.Gly1750del)

Gene: TANC2 (tetratricopeptide repeat, ankyrin repeat and coiled-coil containing 2; plus strand). Cytogenetic location: 17q23.3.
Variant type: Deletion.
Coding change: c.5247_5249del on transcript NM_001394998.1 (MANE Select); coding-DNA positions 5247 to 5249, 3 bases deleted (GGG; older notation c.5247_5249delGGG).
Protein change: p.Gly1750del; deletes glycine 1750.
Molecular consequence: inframe deletion.
Genome position (GRCh38, 1-based): chr17:63,420,977-63,420,979, GGG deleted; deleting any 3 consecutive bases within chr17:63,420,975-63,420,979 gives the same sequence; the c. name uses the placement nearest the transcript's 3' end. VCF-style (leftmost placement, unchanged base first): chr17-63420974-TGGG-T. GRCh37 (hg19) VCF-style: chr17-61498335-TGGG-T.
Other names: c.4995_4997del, p.Gly1666del (NM_025185.4); short protein forms G1666del, G1750del.
Identifiers: ClinVar variation 1701664 (VCV001701664.1), dbSNP rs1413609915, ClinGen allele CA627147582.